The following is an entry in ClinVar:

NM_030665.4(RAI1):c.1923C>G (p.Phe641Leu)

Gene: RAI1 (retinoic acid induced 1; plus strand). Cytogenetic location: 17p11.2.
Variant type: single nucleotide variant.
Coding change: c.1923C>G on transcript NM_030665.4 (MANE Select); coding-DNA position 1923, C replaced by G.
Protein change: p.Phe641Leu; replaces phenylalanine 641 with leucine.
Molecular consequence: missense variant.
Genome position (GRCh38, 1-based): chr17:17,794,871, C>G. VCF-style: chr17-17794871-C-G. GRCh37 (hg19) VCF-style: chr17-17698185-C-G.
Other names: short protein forms F641L.
Identifiers: ClinVar variation 3347180 (VCV003347180.1).

ClinVar aggregate classification (germline): Uncertain significance (0 of 4 stars; one submission).

Conditions:
RAI1-related disorder. Also called: RAI1-related condition.

Submission:

PreventionGenetics, part of Exact Sciences
Classification: Uncertain significance for RAI1-related condition. Last evaluated: 2024-05-24. Review status: no assertion criteria provided. Collection method: clinical testing. Allele origin: germline.
Comment: The RAI1 c.1923C>G variant is predicted to result in the amino acid substitution p.Phe641Leu. To our knowledge, this variant has not been reported in the literature or in a large population database, indicating this variant is rare. At this time, the clinical significance of this variant is uncertain due to the absence of conclusive functional and genetic evidence.